The following is an entry in ClinVar:

NM_001040108.2(MLH3):c.3465+9G>A

Gene: MLH3 (mutL homolog 3; minus strand). Cytogenetic location: 14q24.3.
Variant type: single nucleotide variant.
Coding change: c.3465+9G>A on transcript NM_001040108.2 (MANE Select); 9 bases into the intron after coding-DNA position 3465, G replaced by A.
Molecular consequence: intron variant.
Genome position (GRCh38, 1-based): chr14:75,041,606, C>T on the plus strand (G>A on the coding strand, the complement: MLH3 is on the minus strand). VCF-style: chr14-75041606-C-T. GRCh37 (hg19) VCF-style: chr14-75508309-C-T.
Other names: c.3465+9G>A (NM_014381.3).
Identifiers: ClinVar variation 2148105 (VCV002148105.5), dbSNP rs1891860805, ClinGen allele CA2580088748.

ClinVar aggregate classification (germline): Likely benign. Review status: criteria provided, multiple submitters, no conflicts (2 of 4 stars). 2 submissions from 2 submitters: Likely benign (2). Last evaluated 2026-09-11.

Conditions:
Colorectal cancer, hereditary nonpolyposis, type 7. Identifiers: Orphanet 144, MedGen C1858380, MONDO:0013725, OMIM 614385.

Allele frequency attached by ClinVar (database versions not stated): gnomAD exomes below 0.00001.
gnomAD v4.1: 1 of 1,607,498 alleles (0.000062%); highest among the groups gnomAD compares: Non-Finnish European, 0.000085%; no homozygotes.

Submissions (2):

Myriad Genetics, Inc.
Classification: Likely benign for Colorectal cancer, hereditary nonpolyposis, type 7. Last evaluated: 2026-09-11. Review status: criteria provided, single submitter. Criteria: Myriad Autosomal Dominant, Autosomal Recessive and X-Linked Classification Criteria (2023). Collection method: clinical testing. Allele origin: unknown.
Comment: This variant is considered likely benign. This variant is intronic and is not expected to impact mRNA splicing.

Labcorp Genetics (formerly Invitae), Labcorp
Classification: Likely benign for Colorectal cancer, hereditary nonpolyposis, type 7. Last evaluated: 2022-04-02. Review status: criteria provided, single submitter. Criteria: Invitae Variant Classification Sherloc (09022015). Collection method: clinical testing. Allele origin: germline.